The following is an entry in ClinVar:

NM_000384.3(APOB):c.654C>G (p.Ile218Met)

Gene: APOB (apolipoprotein B; minus strand). Cytogenetic location: 2p24.1.
Variant type: single nucleotide variant.
Coding change: c.654C>G on transcript NM_000384.3 (MANE Select); coding-DNA position 654, C replaced by G.
Protein change: p.Ile218Met; replaces isoleucine 218 with methionine.
Molecular consequence: missense variant.
Genome position (GRCh38, 1-based): chr2:21,037,139, G>C on the plus strand (C>G on the coding strand, the complement: APOB is on the minus strand). VCF-style: chr2-21037139-G-C. GRCh37 (hg19) VCF-style: chr2-21260011-G-C.
Other names: short protein forms I218M.
Identifiers: ClinVar variation 3127915 (VCV003127915.2), dbSNP rs2465445834, ClinGen allele CA345961641.

ClinVar aggregate classification (germline): Uncertain significance (1 of 4 stars; one submission).

Conditions:
Cardiovascular phenotype. Identifiers: MedGen CN230736.

Submission:

Ambry Genetics
Classification: Uncertain significance for Cardiovascular phenotype. Last evaluated: 2026-09-11. Review status: criteria provided, single submitter. Criteria: Ambry Variant Classification Scheme 2023. Collection method: clinical testing. Allele origin: germline.
Comment: The p.I218M variant (also known as c.654C>G), located in coding exon 6 of the APOB gene, results from a C to G substitution at nucleotide position 654. The isoleucine at codon 218 is replaced by methionine, an amino acid with highly similar properties. This amino acid position is conserved. In addition, this alteration is predicted to be tolerated by in silico analysis. Based on the available evidence, the clinical significance of this variant remains unclear.